The following is an entry in ClinVar:

ClinVar aggregate classification (germline): Likely pathogenic (1 of 4 stars; one submission).

Conditions:
Maple syrup urine disease type 1B (MSUD1B). Also called: MSUD type IB; MSUD type 3 (formerly); MSUD due to deficiency of e1-beta subunit of branched-chain alpha-keto acid dehydrogenase complex. Identifiers: MedGen C2930990, MONDO:0023692, OMIM 620698.

Submission:

Natera, Inc.
Classification: Likely pathogenic for Maple syrup urine disease type 1B. Last evaluated: 2024-04-04. Review status: criteria provided, single submitter. Criteria: Natera Variant Classification Schema (03/2026). Collection method: clinical testing. Allele origin: germline.
Comment: The c.730T>C variant in BCKDHB is a missense variant predicted to cause substitution of tyrosine to histidine at amino acid 244. This variant is rare in the general population with a frequency below the threshold expected for the associated phenotype(s). This variant has been observed in one or more individuals affected with the associated recessive disease, as either homozygous or compound heterozygous with a second variant (PMID: 31119508, 17922217). Computational prediction algorithms indicate this variant is likely to affect gene or protein function. Given the available evidence, this variant is classified as Likely Pathogenic.

Literature cited by the submitters: PubMed 31119508; PubMed 17922217.

NM_183050.4(BCKDHB):c.730T>C (p.Tyr244His)

Gene: BCKDHB (branched chain keto acid dehydrogenase E1 subunit beta; plus strand). Cytogenetic location: 6q14.1.
Variant type: single nucleotide variant.
Coding change: c.730T>C on transcript NM_183050.4 (MANE Select); coding-DNA position 730, T replaced by C.
Protein change: p.Tyr244His; replaces tyrosine 244 with histidine.
Molecular consequence: missense variant. On other transcripts: non-coding transcript variant (4).
Genome position (GRCh38, 1-based): chr6:80,171,378, T>C. VCF-style: chr6-80171378-T-C. GRCh37 (hg19) VCF-style: chr6-80881095-T-C.
Other names: c.730T>C, p.Tyr244His (NM_000056.5, NM_001424035.1, NM_001424036.1 and 7 more transcripts); c.520T>C, p.Tyr174His (NM_001318975.1, NM_001424043.1); short protein forms Y174H, Y244H.
Identifiers: ClinVar variation 4817027 (VCV004817027.1).
Genomic context (GRCh38, chr6:80,171,378, plus strand): 5'-CTTCTTTTGTCATGCATAGAGGATAAAAATCCTTGTATATTTTTTGAACCTAAAATACTT[T>C]ACAGGGCAGCAGGTAAAGATTTTCTTTATTTTATATTTGTGAATATCTTTATATACTTTG-3'
Protein context (NP_898871.1, residues 234-254): PCIFFEPKIL[Tyr244His]RAAAEEVPIE